The following is an entry in ClinVar:

NC_000016.10:g.(?_78424850)_(78425075_?)del

Gene: WWOX (WW domain containing oxidoreductase; plus strand). Cytogenetic location: 16q23.1.
Variant type: Deletion.
Identifiers: ClinVar variation 473016 (VCV000473016.10).

ClinVar aggregate classification (germline): Pathogenic (1 of 4 stars; one submission).

Conditions:
Developmental and epileptic encephalopathy, 1 (DEE1). Also called: INFANTILE SPASM SYNDROME, X-LINKED 1; X-linked infantile spasms; West's syndrome; Tonic spasms with clustering, arrest of psychomotor development and hypsarrhythmia on EEG; X-Linked Infantile Spasm Syndrome; OHTAHARA SYNDROME, X-LINKED. Identifiers: MedGen C3463992, MONDO:0010632, OMIM 308350. Disease mechanism: loss of function.
Autosomal recessive spinocerebellar ataxia 12. Also called: SPINOCEREBELLAR ATAXIA WITH MENTAL RETARDATION AND EPILEPSY. Identifiers: Orphanet 284282, MedGen C3280452, MONDO:0013687, OMIM 614322.

Submission:

Labcorp Genetics (formerly Invitae), Labcorp
Classification: Pathogenic for Developmental and epileptic encephalopathy, 1; Autosomal recessive spinocerebellar ataxia 12. Last evaluated: 2023-12-21. Review status: criteria provided, single submitter. Criteria: Invitae Variant Classification Sherloc (09022015). Collection method: clinical testing. Allele origin: germline.
Comment: This variant is a gross deletion of the genomic region encompassing exon(s) 7 of the WWOX gene. This variant would be expected to be in-frame, preserving the integrity of the reading frame. A similar copy number variant has been observed in individuals with infantile epileptic encephalopathy (PMID: 30356099; Invitae). It has also been observed to segregate with disease in related individuals. For these reasons, this variant has been classified as Pathogenic.

Literature cited by the submitters: PubMed 30356099.